The following is an entry in ClinVar:

NM_001394372.1(BICRA):c.3278G>T (p.Gly1093Val)

Gene: BICRA (BRD4 interacting chromatin remodeling complex associated protein; plus strand). Cytogenetic location: 19q13.33.
Variant type: single nucleotide variant.
Coding change: c.3278G>T on transcript NM_001394372.1 (MANE Select); coding-DNA position 3278, G replaced by T.
Protein change: p.Gly1093Val; replaces glycine 1093 with valine.
Molecular consequence: missense variant.
Genome position (GRCh38, 1-based): chr19:47,698,663, G>T. VCF-style: chr19-47698663-G-T. GRCh37 (hg19) VCF-style: chr19-48201920-G-T.
Other names: c.3278G>T, p.Gly1093Val (NM_015711.3); short protein forms G1093V.
Identifiers: ClinVar variation 3365268 (VCV003365268.1).

ClinVar aggregate classification (germline): Uncertain significance (1 of 4 stars; one submission).

Submission:

GeneDx
Classification: Uncertain significance. Last evaluated: 2023-12-01. Review status: criteria provided, single submitter. Criteria: GeneDx Variant Classification Process June 2021. Collection method: clinical testing. Allele origin: germline. Affected: yes.
Comment: Not observed at significant frequency in large population cohorts (gnomAD); In silico analysis supports that this missense variant has a deleterious effect on protein structure/function; Has not been previously published as pathogenic or benign to our knowledge